The following is an entry in ClinVar:

NM_144498.4(OSBPL2):c.537C>T (p.His179=)

Gene: OSBPL2 (oxysterol binding protein like 2; plus strand). Cytogenetic location: 20q13.33.
Variant type: single nucleotide variant.
Coding change: c.537C>T on transcript NM_144498.4 (MANE Select); coding-DNA position 537, C replaced by T.
Protein change: p.His179=; no amino-acid change (histidine 179 retained).
Molecular consequence: synonymous variant.
Genome position (GRCh38, 1-based): chr20:62,279,202, C>T. VCF-style: chr20-62279202-C-T. GRCh37 (hg19) VCF-style: chr20-60854258-C-T.
Other names: c.261C>T, p.His87= (NM_001278649.3, NM_001363878.2); c.501C>T, p.His167= (NM_014835.5).
Identifiers: ClinVar variation 1216995 (VCV001216995.10), dbSNP rs79735057, ClinGen allele CA9938495.
Genomic context (GRCh38, chr20:62,279,202, plus strand): 5'-TATTCTTTGACCTAGGGAAGATTTAGGATTCAGATTTATATCGGAACAGGTCAGTCACCA[C>T]CCCCCCATCAGTGCGTTCCACTCGGAAGGTCTCAACCATGACTTCCTGTTCCATGGCTCC-3'
Protein context (NP_653081.1, residues 169-189): FRFISEQVSH[His179=]PPISAFHSEG

ClinVar aggregate classification (germline): Likely benign. Review status: criteria provided, multiple submitters, no conflicts (2 of 4 stars). 3 submissions from 3 submitters: Likely benign (2). 1 of the submissions does not count toward it. Last evaluated 2025-07-10.

Conditions:
OSBPL2-related disorder. Also called: OSBPL2-related condition.

Allele frequency attached by ClinVar (database versions not stated): gnomAD exomes 0.00005; ExAC 0.00007; gnomAD 0.00009; ESP Exome Variant Server 0.00015.
gnomAD v4.1: 154 of 1,612,042 alleles (0.0096%); highest among the groups gnomAD compares: Non-Finnish European, 0.011%; no homozygotes.

Submissions (3):

Labcorp Genetics (formerly Invitae), Labcorp
Classification: Likely benign. Last evaluated: 2025-07-10. Review status: criteria provided, single submitter. Criteria: Invitae Variant Classification Sherloc (09022015). Collection method: clinical testing. Allele origin: germline.

GeneDx
Classification: Likely benign. Last evaluated: 2021-05-26. Review status: criteria provided, single submitter. Criteria: GeneDx Variant Classification Process June 2021. Collection method: clinical testing. Allele origin: germline. Affected: yes.

PreventionGenetics, part of Exact Sciences
Classification: Likely benign for OSBPL2-related condition. Last evaluated: 2020-10-12. Review status: no assertion criteria provided. Collection method: clinical testing. Allele origin: germline. Not counted in ClinVar's aggregate classification.
Comment: This variant is classified as likely benign based on ACMG/AMP sequence variant interpretation guidelines (Richards et al. 2015 PMID: 25741868, with internal and published modifications).